The following is an entry in ClinVar:

NM_152384.3(BBS5):c.2T>C (p.Met1Thr)

Genes: BBS5 (Bardet-Biedl syndrome 5; plus strand), LOC129935068 (ATAC-STARR-seq lymphoblastoid active region 16738; plus strand). Cytogenetic location: 2q31.1.
Variant type: single nucleotide variant.
Coding change: c.2T>C on transcript NM_152384.3 (MANE Select); coding-DNA position 2, T replaced by C.
Protein change: p.Met1Thr; changes the start codon (methionine 1).
Molecular consequence: missense variant, initiator codon variant.
Genome position (GRCh38, 1-based): chr2:169,479,555, T>C. VCF-style: chr2-169479555-T-C. GRCh37 (hg19) VCF-style: chr2-170336065-T-C.
Other names: short protein forms M1T.
Identifiers: ClinVar variation 3715901 (VCV003715901.3).

ClinVar aggregate classification (germline): Pathogenic/Likely pathogenic. Review status: criteria provided, multiple submitters, no conflicts (2 of 4 stars). 2 submissions from 2 submitters: Pathogenic (1); Likely pathogenic (1). Last evaluated 2025-12-23.

Conditions:
BBS5-related disorder. Also called: BBS5-related condition.
Bardet-Biedl syndrome (BBS). Identifiers: Orphanet 110, MedGen C0752166, MONDO:0015229.

Submissions (2):

Labcorp Genetics (formerly Invitae), Labcorp
Classification: Pathogenic for Bardet-Biedl syndrome. Last evaluated: 2025-12-23. Review status: criteria provided, single submitter. Criteria: Invitae Variant Classification Sherloc (09022015). Collection method: clinical testing. Allele origin: germline.
Comment: This sequence change affects the initiator codon of the BBS5 mRNA. This change may impact translation initiation or efficiency. The next in-frame methionine is located at codon 22. This variant is not present in population databases (gnomAD no frequency). Disruption of the initiator codon has been observed in individual(s) with Bardet-Biedl syndrome (PMID: 19797195, 25982971). ClinVar contains an entry for this variant (Variation ID: 3715901). For these reasons, this variant has been classified as Pathogenic.

Blueprint Genetics
Classification: Likely pathogenic for BBS5-related disorders. Last evaluated: 2023-11-14. Review status: criteria provided, single submitter. Criteria: ACMG Guidelines, 2015. Collection method: clinical testing. Allele origin: germline. Affected: yes. Observed: 1 variant allele.

Literature cited by the submitters: PubMed 19797195 (cited by Labcorp Genetics (formerly Invitae), Labcorp); PubMed 25982971 (cited by Labcorp Genetics (formerly Invitae), Labcorp).